The following is an entry in ClinVar:

NM_004991.4(MECOM):c.1027G>A (p.Val343Ile)

Gene: MECOM (MDS1 and EVI1 complex locus; minus strand). Cytogenetic location: 3q26.2.
Variant type: single nucleotide variant.
Coding change: c.1027G>A on transcript NM_004991.4 (MANE Select); coding-DNA position 1027, G replaced by A.
Protein change: p.Val343Ile; replaces valine 343 with isoleucine.
Molecular consequence: missense variant.
Genome position (GRCh38, 1-based): chr3:169,121,161, C>T on the plus strand (G>A on the coding strand, the complement: MECOM is on the minus strand). VCF-style: chr3-169121161-C-T. GRCh37 (hg19) VCF-style: chr3-168838949-C-T.
Other names: c.658G>A, p.Val220Ile (NM_001105077.4); c.463G>A, p.Val155Ile (NM_001105078.4, NM_001164000.2, NM_001205194.2 and 5 more transcripts); c.466G>A, p.Val156Ile (NM_001163999.2, NM_001366467.2, NM_001366468.2 and 1 more transcripts); c.1027G>A, p.Val343Ile (NM_001366466.2, NM_001366473.2); short protein forms V155I, V220I, V156I, V343I.
Identifiers: ClinVar variation 4624692 (VCV004624692.1).

ClinVar aggregate classification (germline): Uncertain significance (1 of 4 stars; one submission).

Conditions:
Inborn genetic diseases. Identifiers: MedGen C0950123, MeSH D030342.

gnomAD v4.1: 1 of 1,613,222 alleles (0.000062%); highest among the groups gnomAD compares: African/African-American, 0.0013%; no homozygotes.

Submission:

Ambry Genetics
Classification: Uncertain significance for Inborn genetic diseases. Last evaluated: 2025-11-11. Review status: criteria provided, single submitter. Criteria: Ambry Variant Classification Scheme 2023. Collection method: clinical testing. Allele origin: germline.
Comment: The p.V343I variant (also known as c.1027G>A), located in coding exon 7 of the MECOM gene, results from a G to A substitution at nucleotide position 1027. The valine at codon 343 is replaced by isoleucine, an amino acid with highly similar properties. This amino acid position is conserved. In addition, this alteration is predicted to be tolerated by in silico analysis. Based on the available evidence, the clinical significance of this variant remains unclear.